The following is an entry in ClinVar:

NM_015909.4(NBAS):c.5335A>C (p.Ile1779Leu)

Gene: NBAS (NBAS subunit of NRZ tethering complex; minus strand). Cytogenetic location: 2p24.3.
Variant type: single nucleotide variant.
Coding change: c.5335A>C on transcript NM_015909.4 (MANE Select); coding-DNA position 5335, A replaced by C.
Protein change: p.Ile1779Leu; replaces isoleucine 1779 with leucine.
Molecular consequence: missense variant. On other transcripts: non-coding transcript variant (1).
Genome position (GRCh38, 1-based): chr2:15,276,905, T>G on the plus strand (A>C on the coding strand, the complement: NBAS is on the minus strand). VCF-style: chr2-15276905-T-G. GRCh37 (hg19) VCF-style: chr2-15417029-T-G.
Other names: c.5335A>C (NM_015909.3); short protein forms I1779L.
Identifiers: ClinVar variation 2963448 (VCV002963448.4), dbSNP rs1291322294, ClinGen allele CA345883551.

ClinVar aggregate classification (germline): Uncertain significance. Review status: criteria provided, multiple submitters, no conflicts (2 of 4 stars). 2 submissions from 2 submitters: Uncertain significance (2). Last evaluated 2025-11-15.

Conditions:
NBAS-related disorder. Also called: NBAS-related condition.

gnomAD v4.1: 18 of 1,614,088 alleles (0.0011%); highest among the groups gnomAD compares: Non-Finnish European, 0.0015%; no homozygotes.

Submissions (2):

PreventionGenetics, part of Exact Sciences
Classification: Uncertain significance for NBAS-related condition. Last evaluated: 2025-11-15. Review status: criteria provided, single submitter. Criteria: ACMG Guidelines, 2015. Collection method: clinical testing. Allele origin: germline.
Comment: The NBAS c.5335A>C variant is predicted to result in the amino acid substitution p.Ile1779Leu. To our knowledge, this variant has not been reported in the literature or in a large population database (gnomAD), indicating this variant is rare. At this time, the clinical significance of this variant is uncertain due to the absence of conclusive functional and genetic evidence.

Labcorp Genetics (formerly Invitae), Labcorp
Classification: Uncertain significance. Last evaluated: 2023-06-16. Review status: criteria provided, single submitter. Criteria: Invitae Variant Classification Sherloc (09022015). Collection method: clinical testing. Allele origin: germline.
Comment: In summary, the available evidence is currently insufficient to determine the role of this variant in disease. Therefore, it has been classified as a Variant of Uncertain Significance. Advanced modeling of protein sequence and biophysical properties (such as structural, functional, and spatial information, amino acid conservation, physicochemical variation, residue mobility, and thermodynamic stability) performed at Invitae indicates that this missense variant is not expected to disrupt NBAS protein function. This variant has not been reported in the literature in individuals affected with NBAS-related conditions. This variant is not present in population databases (gnomAD no frequency). This sequence change replaces isoleucine, which is neutral and non-polar, with leucine, which is neutral and non-polar, at codon 1779 of the NBAS protein (p.Ile1779Leu).